The following is an entry in ClinVar:

ClinVar aggregate classification (germline): Conflicting classifications of pathogenicity. Review status: criteria provided, conflicting classifications (1 of 4 stars). 4 submissions from 4 submitters: Uncertain significance (3); Benign (1). Last evaluated 2025-10-28.

Conditions:
Retinal dystrophy. Also called: Inherited retinal dystrophy. Identifiers: Orphanet 71862, MedGen C0854723, MeSH D058499, MONDO:0019118, HP:0000556.
IMPG1-related disorder. Also called: IMPG1-related condition.

Allele frequency attached by ClinVar (database versions not stated): gnomAD 0.00005 and 0.00012; TOPMed 0.00005; gnomAD exomes 0.00009 and 0.00012; ExAC 0.00016; 1000 Genomes Project 0.00080; 1000 Genomes Project 30x 0.00094.
gnomAD v4.1: 165 of 1,614,176 alleles (0.01%); highest among the groups gnomAD compares: South Asian, 0.1%; 1 homozygote.

Submissions (4):

Labcorp Genetics (formerly Invitae), Labcorp
Classification: Uncertain significance. Last evaluated: 2025-10-28. Review status: criteria provided, single submitter. Criteria: Invitae Variant Classification Sherloc (09022015). Collection method: clinical testing. Allele origin: germline.
Comment: This sequence change replaces arginine, which is basic and polar, with glutamine, which is neutral and polar, at codon 704 of the IMPG1 protein (p.Arg704Gln). This variant is present in population databases (rs528749231, gnomAD 0.06%). This variant has not been reported in the literature in individuals affected with IMPG1-related conditions. ClinVar contains an entry for this variant (Variation ID: 839896). An algorithm developed to predict the effect of missense changes on protein structure and function outputs the following: PolyPhen-2: "Benign". The glutamine amino acid residue is found in multiple mammalian species, which suggests that this missense change does not adversely affect protein function. In summary, the available evidence is currently insufficient to determine the role of this variant in disease. Therefore, it has been classified as a Variant of Uncertain Significance.

PreventionGenetics, part of Exact Sciences
Classification: Uncertain significance for IMPG1-related condition. Last evaluated: 2025-03-07. Review status: criteria provided, single submitter. Criteria: ACMG Guidelines, 2015. Collection method: clinical testing. Allele origin: germline.
Comment: The IMPG1 c.2111G>A variant is predicted to result in the amino acid substitution p.Arg704Gln. To our knowledge, this variant has not been reported in the literature. This variant is reported in 0.059% of alleles in individuals of South Asian descent in gnomAD. Although we suspect that this variant may be benign, at this time, the clinical significance of this variant is uncertain due to the absence of conclusive functional and genetic evidence.

Blueprint Genetics
Classification: Uncertain significance. Last evaluated: 2024-09-06. Review status: criteria provided, single submitter. Criteria: ACMG Guidelines, 2015. Collection method: clinical testing. Allele origin: germline.

Dept Of Ophthalmology, Nagoya University
Classification: Benign for Retinal dystrophy. Last evaluated: 2023-10-01. Review status: criteria provided, single submitter. Criteria: Submitter's publication. Collection method: research. Allele origin: germline. Affected: yes.

NM_001563.4(IMPG1):c.2111G>A (p.Arg704Gln)

Gene: IMPG1 (interphotoreceptor matrix proteoglycan 1; minus strand). Cytogenetic location: 6q14.1.
Variant type: single nucleotide variant.
Coding change: c.2111G>A on transcript NM_001563.4 (MANE Select); coding-DNA position 2111, G replaced by A.
Protein change: p.Arg704Gln; replaces arginine 704 with glutamine.
Molecular consequence: missense variant.
Genome position (GRCh38, 1-based): chr6:75,931,085, C>T on the plus strand (G>A on the coding strand, the complement: IMPG1 is on the minus strand). VCF-style: chr6-75931085-C-T. GRCh37 (hg19) VCF-style: chr6-76640802-C-T.
Other names: c.1877G>A, p.Arg626Gln (NM_001282368.2); short protein forms R626Q, R704Q.
Identifiers: ClinVar variation 839896 (VCV000839896.11), dbSNP rs528749231, ClinGen allele CA3897926.